The following is an entry in ClinVar:

ClinVar aggregate classification (germline): Uncertain significance (1 of 4 stars; one submission).

gnomAD v4.1: 1 of 1,614,090 alleles (0.000062%); highest among the groups gnomAD compares: Admixed American, 0.0017%; no homozygotes.

Submission:

GeneDx
Classification: Uncertain significance. Last evaluated: 2026-03-16. Review status: criteria provided, single submitter. Criteria: GeneDx Variant Classification Process June 2021. Collection method: clinical testing. Allele origin: germline.
Comment: Not observed at significant frequency in large population cohorts (gnomAD); In silico analysis suggests that this missense variant does not alter protein structure/function; Has not been previously published as pathogenic or benign to our knowledge

NM_016356.5(DCDC2):c.398A>C (p.Lys133Thr)

Gene: DCDC2 (doublecortin domain containing 2; minus strand). Cytogenetic location: 6p22.3.
Variant type: single nucleotide variant.
Coding change: c.398A>C on transcript NM_016356.5 (MANE Select); coding-DNA position 398, A replaced by C.
Protein change: p.Lys133Thr; replaces lysine 133 with threonine.
Molecular consequence: missense variant.
Genome position (GRCh38, 1-based): chr6:24,301,995, T>G on the plus strand (A>C on the coding strand, the complement: DCDC2 is on the minus strand). VCF-style: chr6-24301995-T-G. GRCh37 (hg19) VCF-style: chr6-24302223-T-G.
Other names: c.398A>C, p.Lys133Thr (NM_001195610.2); short protein forms K133T.
Identifiers: ClinVar variation 5009114 (VCV005009114.1).